The following is an entry in ClinVar:

ClinVar aggregate classification (germline): Uncertain significance. Review status: criteria provided, multiple submitters, no conflicts (2 of 4 stars). 2 submissions from 2 submitters: Uncertain significance (2). Last evaluated 2021-08-27.

Allele frequency attached by ClinVar (database versions not stated): gnomAD exomes below 0.00001 and 0.00001; ExAC 0.00002.
gnomAD v4.1: 5 of 1,614,168 alleles (0.00031%); highest among the groups gnomAD compares: Non-Finnish European, 0.00034%; no homozygotes.

Submissions (2):

Blueprint Genetics
Classification: Uncertain significance. Last evaluated: 2021-08-27. Review status: criteria provided, single submitter. Criteria: ACMG Guidelines, 2015. Collection method: clinical testing. Allele origin: germline.

GeneDx
Classification: Uncertain significance. Last evaluated: 2018-09-25. Review status: criteria provided, single submitter. Criteria: GeneDx Variant Classification Process June 2021. Collection method: clinical testing. Allele origin: germline. Affected: yes.
Comment: Has not been previously published as pathogenic or benign to our knowledge; Not observed at a significant frequency in large population cohorts (Lek et al., 2016); In silico analysis, which includes protein predictors and evolutionary conservation, supports a deleterious effect

NM_002471.4(MYH6):c.3191C>T (p.Thr1064Ile)

Gene: MYH6 (myosin heavy chain 6; minus strand). Cytogenetic location: 14q11.2.
Variant type: single nucleotide variant.
Coding change: c.3191C>T on transcript NM_002471.4 (MANE Select); coding-DNA position 3191, C replaced by T.
Protein change: p.Thr1064Ile; replaces threonine 1064 with isoleucine.
Molecular consequence: missense variant.
Genome position (GRCh38, 1-based): chr14:23,392,972, G>A on the plus strand (C>T on the coding strand, the complement: MYH6 is on the minus strand). VCF-style: chr14-23392972-G-A. GRCh37 (hg19) VCF-style: chr14-23862181-G-A.
Other names: short protein forms T1064I.
Identifiers: ClinVar variation 1217642 (VCV001217642.4), dbSNP rs773279964, ClinGen allele CA7115280.